The following is an entry in ClinVar:

NM_153240.5(NPHP3):c.2694-2_2694-1del

Genes: NPHP3-ACAD11 (NPHP3-ACAD11 readthrough (NMD candidate); minus strand), NPHP3 (nephrocystin 3; minus strand). Cytogenetic location: 3q22.1.
Variant type: Deletion.
Coding change: c.2694-2_2694-1del on transcript NM_153240.5 (MANE Select); the canonical splice acceptor site of the intron before coding-DNA position 2694, 2 bases deleted (AG; older notation c.2694-2_2694-1delAG).
Molecular consequence: splice acceptor variant.
Genome position (GRCh38, 1-based): chr3:132,689,264-132,689,265, CT deleted on the plus strand (AG on the coding strand, the reverse complement: NPHP3 is on the minus strand). VCF-style (leftmost placement, unchanged base first): chr3-132689263-CCT-C. GRCh37 (hg19) VCF-style: chr3-132408107-CCT-C.
Other names: splice site; c.2694-2_2694-1delAG (NM_153240.5); c.2694-2_2694-1del (NM_153240.4).
Identifiers: ClinVar variation 220868 (VCV000220868.78), dbSNP rs751527253, ClinGen allele CA349747.
Genomic context (GRCh38, chr3:132,689,263, plus strand): 5'-CATTGCACTTTTGTCTTTGCCAACAAACTGCCAATAACTCAGCAACTCAGCAAAGTGTCC[CCT>C]GTTTCAACAAATAACAGTACTTTAATGAAAAACACACTTTAAAATCCATTACAGAATCAA-3'

ClinVar aggregate classification (germline): Pathogenic/Likely pathogenic. Review status: criteria provided, multiple submitters, no conflicts (2 of 4 stars). 30 submissions from 27 submitters: Pathogenic (19); Likely pathogenic (2). 9 of the submissions do not count toward it. Last evaluated 2026-07-02.

Conditions:
NPHP3 & NPHP3-ACAD11-related disorders.
NPHP3-related disorder. Also called: NPHP3-related disorders; NPHP3-related condition. Identifiers: MedGen CN379163.
Joubert syndrome and related disorders. Identifiers: Orphanet 140874, MedGen C5679612, MONDO:0015369.
Nephronophthisis. Also called: Juvenile Nephronophthisis. Identifiers: Orphanet 655, MedGen C0687120, MONDO:0019005, HP:0000090.
Renal-hepatic-pancreatic dysplasia 1 (RHPD1). Identifiers: MedGen C3715199, MONDO:0008833, OMIM 208540.
NPHP3-related Meckel-like syndrome. Also called: GOLDSTON SYNDROME; Meckel syndrome type 7. Identifiers: Orphanet 3032, MedGen C2673885, MONDO:0009966, OMIM 267010.
Nephronophthisis 3 (NPHP3). Also called: Adolescent nephronophthisis. Identifiers: Orphanet 655, MedGen C1858392, MONDO:0011456, OMIM 604387.
Polycystic kidney disease. Also called: Polycystic kidney dysplasia; Kidney, Polycystic. Identifiers: MedGen C0022680, MeSH D007690, MONDO:0020642, HP:0000113.

Allele frequency attached by ClinVar (database versions not stated): gnomAD 0.00023 and 0.00026; ESP Exome Variant Server 0.00024; gnomAD exomes 0.00024 and 0.00027; TOPMed 0.00026; ExAC 0.00036; 1000 Genomes Project 30x 0.00047.

Submissions 1 to 11 of 30:

Victorian Clinical Genetics Services, Murdoch Childrens Research Institute
Classification: Pathogenic for Nephronophthisis. Last evaluated: 2026-07-02. Review status: criteria provided, single submitter. Criteria: ACMG Guidelines, 2015. Collection method: clinical testing. Allele origin: germline. Affected: yes.
Comment: This variant is classified as Pathogenic. Evidence in support of pathogenic classification: Splice site variant proven to affect splicing of the transcript with a known effect on protein sequence. RT-PCR done on whole blood RNA of an affected individual demonstrated exon 20 skipping, which is expected to result in a frameshift (PMID: 30002499); Variant is present in gnomAD <0.01 for a recessive condition (v4: 379 heterozygotes, 0 homozygotes); This variant has strong previous evidence of pathogenicity in unrelated individuals. It has been reported in at least ten individuals described to have nephronophthisis, end stage renal disease or ciliopathy syndrome and consistently classified as pathogenic by diagnostic laboratories in ClinVar (PMID: 28921755, 30002499, 32055034). Additional information: This variant is homozygous; This gene is associated with autosomal recessive disease; Alternative nucleotide change(s) at the same canonical splice site are present in gnomAD (highest alelle count: v4: 4 heterozygotes, 0 homozygotes); Loss of function is a known mechanism of disease in this gene and is associated with nephronophthisis (MONDO:0019005), NPHP3-related.

Labcorp Genetics (formerly Invitae), Labcorp
Classification: Pathogenic for Nephronophthisis. Last evaluated: 2026-01-24. Review status: criteria provided, single submitter. Criteria: Invitae Variant Classification Sherloc (09022015). Collection method: clinical testing. Allele origin: germline.
Comment: This sequence change affects a splice site in intron 19 of the NPHP3 gene. RNA analysis indicates that disruption of this splice site induces altered splicing and may result in an absent or altered protein product. This variant is present in population databases (rs751527253, gnomAD 0.05%). Disruption of this splice site has been observed in individual(s) with Meckel-Gruber-like syndrome and/or nephronophthisis-related ciliopathy (PMID: 18371931, 20007846, 23559409, 26673778). It has also been observed to segregate with disease in related individuals. ClinVar contains an entry for this variant (Variation ID: 220868). Studies have shown that disruption of this splice site results in activation of a cryptic splice site, and produces a non-functional protein and/or introduces a premature termination codon (PMID: 20007846). For these reasons, this variant has been classified as Pathogenic.

Molecular Genetics Laboratory, BC Children's and BC Women's Hospitals
Classification: Pathogenic for Nephronophthisis. Last evaluated: 2025-10-07. Review status: criteria provided, single submitter. Criteria: ACMG Guidelines, 2015. Collection method: clinical testing. Allele origin: maternal. Affected: yes.

3billion
Classification: Pathogenic for Nephronophthisis 3. Last evaluated: 2025-08-07. Review status: criteria provided, single submitter. Criteria: ACMG Guidelines, 2015. Collection method: clinical testing. Allele origin: germline. Affected: yes.
Comment: The variant is observed at an extremely low frequency in the gnomAD v4.1.0 dataset (total allele frequency: 0.023%). Predicted Consequence/Location: Canonical splice site: predicted to alter splicing and result in a loss or disruption of normal protein function. Multiple pathogenic loss-of-function variants are reported downstream of the variant. In silico tools predict the variant to alter splicing and produce an abnormal transcript [SpliceAI: 1.00 (spliceogenicity >=0.2, non-spliceogenicity <0.1)]. The variant has been reported at least twice as pathogenic with clinical assertions and evidence for the classification (ClinVar ID: VCV000220868 /PMID: 18371931 /3billion dataset). Therefore, this variant is classified as Pathogenic according to the recommendation of ACMG/AMP guideline.

Women's Health and Genetics/Laboratory Corporation of America, LabCorp
Classification: Pathogenic for Joubert syndrome and related disorders. Last evaluated: 2025-07-21. Review status: criteria provided, single submitter. Criteria: LabCorp Variant Classification Summary - May 2015. Collection method: clinical testing. Allele origin: germline.
Comment: Variant summary: NPHP3 c.2694-2_2694-1delAG is located in a canonical splice-site and is predicted to affect mRNA splicing resulting in a significantly altered protein due to either exon skipping, shortening, or inclusion of intronic material. Variants that disrupt the consensus splice site are a relatively common cause of aberrant splicing and loss of NPHP3 function. Several computational tools predict a significant impact on normal splicing: Two predict the variant abolishes a 3' acceptor site. However, these predictions have yet to be confirmed by functional studies. The variant allele was found at a frequency of 0.00027 in 251300 control chromosomes. This frequency is not significantly higher than estimated for a pathogenic variant in NPHP3 causing Joubert Syndrome And Related Disorders (0.00027 vs 0.0004), allowing no conclusion about variant significance. c.2694-2_2694-1delAG has been observed in multiple homozygous individuals affected with Joubert Syndrome And Related Disorders (e.g. Al-Hamed_2022). These data indicate that the variant is very likely to be associated with disease. To our knowledge, no experimental evidence demonstrating an impact on protein function has been reported. The following publication has been ascertained in the context of this evaluation (PMID: 34853893). ClinVar contains an entry for this variant (Variation ID: 220868). Based on the evidence outlined above, the variant was classified as pathogenic.

First Genomix Gene Laboratory, Genetic Diagnostics Department
Classification: Pathogenic for NPHP3-related Meckel-like syndrome; Nephronophthisis 3; Renal-hepatic-pancreatic dysplasia 1. Last evaluated: 2025-03-19. Review status: criteria provided, single submitter. Criteria: ACMG Guidelines, 2015. Collection method: clinical testing. Allele origin: germline. Inheritance: Autosomal recessive inheritance. Affected: no. Observed: 1 variant allele.

Blueprint Genetics
Classification: Pathogenic for NPHP3 & NPHP3-ACAD11-related disorders. Last evaluated: 2024-09-20. Review status: criteria provided, single submitter. Criteria: ACMG Guidelines, 2015. Collection method: clinical testing. Allele origin: germline. Affected: yes. Observed: 5 variant alleles.

Genomic Medicine Center of Excellence, King Faisal Specialist Hospital and Research Centre
Classification: Pathogenic for Nephronophthisis 3. Last evaluated: 2024-03-29. Review status: criteria provided, single submitter. Criteria: ACMG Guidelines, 2015. Collection method: clinical testing. Allele origin: germline.

Fulgent Genetics
Classification: Pathogenic for Renal-hepatic-pancreatic dysplasia 1; NPHP3-related Meckel-like syndrome; Nephronophthisis 3. Last evaluated: 2024-03-08. Review status: criteria provided, single submitter. Criteria: ACMG Guidelines, 2015. Collection method: clinical testing. Allele origin: germline.

Daryl Scott Lab, Baylor College of Medicine
Classification: Pathogenic for NPHP3-related disorder. Last evaluated: 2024-01-01. Review status: criteria provided, single submitter. Criteria: ACMG Guidelines, 2015. Collection method: clinical testing. Allele origin: maternal. Affected: yes. Observed: 2 heterozygotes.
Comment: PVS1, PS3, PS4, PM2, PM3, PP1

Precision Medicine Center, Zhengzhou University
Classification: Likely pathogenic for Nephronophthisis 3. Last evaluated: 2023-12-01. Review status: criteria provided, single submitter. Criteria: ACMG Guidelines, 2015. Collection method: clinical testing. Allele origin: maternal. Affected: yes.
Comment: PVS1,PM2_p